The following is an entry in ClinVar:

NM_005546.4(ITK):c.1052T>G (p.Leu351Arg)

Gene: ITK (IL2 inducible T cell kinase; plus strand). Cytogenetic location: 5q33.3.
Variant type: single nucleotide variant.
Coding change: c.1052T>G on transcript NM_005546.4 (MANE Select); coding-DNA position 1052, T replaced by G.
Protein change: p.Leu351Arg; replaces leucine 351 with arginine.
Molecular consequence: missense variant.
Genome position (GRCh38, 1-based): chr5:157,241,712, T>G. VCF-style: chr5-157241712-T-G. GRCh37 (hg19) VCF-style: chr5-156668722-T-G.
Other names: short protein forms L351R.
Identifiers: ClinVar variation 2008430 (VCV002008430.4), dbSNP rs1036041538, ClinGen allele CA130157869.

ClinVar aggregate classification (germline): Uncertain significance (1 of 4 stars; one submission).

Conditions:
Lymphoproliferative syndrome 1 (LPFS1). Identifiers: Orphanet 238505, Orphanet 538963, MedGen C3552634, MONDO:0013081, OMIM 613011.

Submission:

Labcorp Genetics (formerly Invitae), Labcorp
Classification: Uncertain significance for Lymphoproliferative syndrome 1. Last evaluated: 2022-10-17. Review status: criteria provided, single submitter. Criteria: Invitae Variant Classification Sherloc (09022015). Collection method: clinical testing. Allele origin: germline.
Comment: This variant is not present in population databases (gnomAD no frequency). This variant has not been reported in the literature in individuals affected with ITK-related conditions. Algorithms developed to predict the effect of missense changes on protein structure and function (SIFT, PolyPhen-2, Align-GVGD) all suggest that this variant is likely to be tolerated. Algorithms developed to predict the effect of sequence changes on RNA splicing suggest that this variant may create or strengthen a splice site. In summary, the available evidence is currently insufficient to determine the role of this variant in disease. Therefore, it has been classified as a Variant of Uncertain Significance. This sequence change replaces leucine, which is neutral and non-polar, with arginine, which is basic and polar, at codon 351 of the ITK protein (p.Leu351Arg).